The following is an entry in ClinVar:

NM_001367624.2(ZNF469):c.2581G>C (p.Asp861His)

Gene: ZNF469 (zinc finger protein 469; plus strand). Cytogenetic location: 16q24.2.
Variant type: single nucleotide variant.
Coding change: c.2581G>C on transcript NM_001367624.2 (MANE Select); coding-DNA position 2581, G replaced by C.
Protein change: p.Asp861His; replaces aspartic acid 861 with histidine.
Molecular consequence: missense variant.
Genome position (GRCh38, 1-based): chr16:88,430,051, G>C. VCF-style: chr16-88430051-G-C. GRCh37 (hg19) VCF-style: chr16-88496459-G-C.
Other names: NM_001127464.1:c.2581G>C; short protein forms D861H.
Identifiers: ClinVar variation 992799 (VCV000992799.4), dbSNP rs1342379077, ClinGen allele CA397073519.

ClinVar aggregate classification (germline): Uncertain significance. Review status: criteria provided, multiple submitters, no conflicts (2 of 4 stars). 2 submissions from 2 submitters: Uncertain significance (2). Last evaluated 2022-05-06.

Conditions:
Cardiovascular phenotype. Identifiers: MedGen CN230736.
Brittle cornea syndrome 1 (BCS1). Also called: Corneal fragility keratoglobus, blue sclerae AND joint hypermobility; CORNEAL FRAGILITY, KERATOGLOBUS, BLUE SCLERAE, JOINT HYPEREXTENSIBILITY; EDS6B; FRAGILITAS OCULI WITH JOINT HYPEREXTENSIBILITY; DYSGENESIS MESODERMALIS CORNEAE ET SCLERAE. Identifiers: Orphanet 90354, MedGen C0268344, MONDO:0024543, OMIM 229200.

Allele frequency attached by ClinVar (database versions not stated): TOPMed below 0.00001.

Submissions (2):

Ambry Genetics
Classification: Uncertain significance for Cardiovascular phenotype. Last evaluated: 2022-05-06. Review status: criteria provided, single submitter. Criteria: Ambry Variant Classification Scheme 2023. Collection method: clinical testing. Allele origin: germline.
Comment: The p.D861H variant (also known as c.2581G>C), located in coding exon 1 of the ZNF469 gene, results from a G to C substitution at nucleotide position 2581. The aspartic acid at codon 861 is replaced by histidine, an amino acid with similar properties. This amino acid position is conserved. In addition, this alteration is predicted to be deleterious by in silico analysis. Since supporting evidence is limited at this time, the clinical significance of this alteration remains unclear.

New York Genome Center
Classification: Uncertain significance for Brittle cornea syndrome 1. Last evaluated: 2019-07-19. Review status: criteria provided, single submitter. Criteria: NYGC Assertion Criteria 2020. Collection method: clinical testing. Allele origin: germline. Observed: 1 heterozygote. Study: CSER-NYCKidSeq.